The following is an entry in ClinVar:

NM_001134363.3(RBM20):c.1922G>A (p.Arg641Gln)

Gene: RBM20 (RNA binding motif protein 20; plus strand). Cytogenetic location: 10q25.2.
Variant type: single nucleotide variant.
Coding change: c.1922G>A on transcript NM_001134363.3 (MANE Select); coding-DNA position 1922, G replaced by A.
Protein change: p.Arg641Gln; replaces arginine 641 with glutamine.
Molecular consequence: missense variant.
Genome position (GRCh38, 1-based): chr10:110,812,319, G>A. VCF-style: chr10-110812319-G-A. GRCh37 (hg19) VCF-style: chr10-112572077-G-A.
Other names: c.1922G>A (LRG_382t1); short protein forms R641Q.
Identifiers: ClinVar variation 202064 (VCV000202064.25), dbSNP rs143785916, ClinGen allele CA335551.

ClinVar aggregate classification (germline): Conflicting classifications of pathogenicity. Review status: criteria provided, conflicting classifications (1 of 4 stars). 5 submissions from 5 submitters: Uncertain significance (3); Benign (1); Likely benign (1). Last evaluated 2026-02-03.

Conditions:
Cardiovascular phenotype. Identifiers: MedGen CN230736.
Cardiomyopathy (CMYO). Also called: Cardiomyopathies. Identifiers: Orphanet 167848, MedGen C0878544, MONDO:0004994, HP:0001638. Inheritance: Various modes of inheritance.
Dilated cardiomyopathy 1DD (CMD1DD). Identifiers: Orphanet 154, MedGen C2750995, MONDO:0013168, OMIM 613172.

Allele frequency attached by ClinVar (database versions not stated): gnomAD 0.00011 and 0.00017; gnomAD exomes 0.00011 and 0.00034; ExAC 0.00012; TOPMed 0.00025; 1000 Genomes Project 30x 0.00094; 1000 Genomes Project 0.00100.
gnomAD v4.1: 178 of 1,550,888 alleles (0.011%); highest among the groups gnomAD compares: East Asian, 0.38%; no homozygotes.

Submissions (5):

Labcorp Genetics (formerly Invitae), Labcorp
Classification: Benign for Dilated cardiomyopathy 1DD. Last evaluated: 2026-02-03. Review status: criteria provided, single submitter. Criteria: Invitae Variant Classification Sherloc (09022015). Collection method: clinical testing. Allele origin: germline.

Ambry Genetics
Classification: Likely benign for Cardiovascular phenotype. Last evaluated: 2020-10-13. Review status: criteria provided, single submitter. Criteria: Ambry Variant Classification Scheme 2023. Collection method: clinical testing. Allele origin: germline.

ARUP Laboratories, Molecular Genetics and Genomics, ARUP Laboratories
Classification: Uncertain significance for Dilated cardiomyopathy 1DD. Last evaluated: 2019-12-15. Review status: criteria provided, single submitter. Criteria: ARUP Molecular Germline Variant Investigation Process. Collection method: clinical testing. Allele origin: germline.
Comment: The RBM20 c.1922G>A; p.Arg641Gln variant (rs143785916), to our knowledge, is not reported in the medical literature but is reported in ClinVar (Variation ID: 202064). This variant is found in the East Asian population with an allele frequency of 0.45% (56/12330 alleles) in the Genome Aggregation Database. The arginine at codon 641 is highly conserved, and computational analyses (SIFT, PolyPhen-2) predict that this variant is deleterious. Due to limited information, the clinical significance of the p.Arg641Gln variant is uncertain at this time.

Illumina Laboratory Services, Illumina
Classification: Uncertain significance for Dilated cardiomyopathy 1DD. Last evaluated: 2018-01-12. Review status: criteria provided, single submitter. Criteria: ICSL Variant Classification Criteria 13 December 2019. Collection method: clinical testing. Allele origin: germline.

CHEO Genetics Diagnostic Laboratory, Children's Hospital of Eastern Ontario
Classification: Uncertain significance for Cardiomyopathy. Last evaluated: 2016-09-13. Review status: criteria provided, single submitter. Criteria: ACMG Guidelines, 2015. Collection method: clinical testing. Allele origin: germline. Study: Canadian Open Genetics Repository.